The following is an entry in ClinVar:

NM_001113491.2(SEPTIN9):c.1574-10C>T

Gene: SEPTIN9 (septin 9; plus strand). Cytogenetic location: 17q25.3.
Variant type: single nucleotide variant.
Coding change: c.1574-10C>T on transcript NM_001113491.2 (MANE Select); 10 bases into the intron before coding-DNA position 1574, C replaced by T.
Molecular consequence: intron variant.
Genome position (GRCh38, 1-based): chr17:77,497,305, C>T. VCF-style: chr17-77497305-C-T. GRCh37 (hg19) VCF-style: chr17-75493387-C-T.
Other names: p.?; c.1517-10C>T (NM_001293695.2); c.1082-10C>T (NM_001113492.2, NM_001113494.1); c.1520-10C>T (NM_006640.5); c.1553-10C>T (NM_001113493.2); c.902-10C>T (NM_001293696.2); c.821-10C>T (NM_001113496.2, NM_001293697.2, NM_001293698.2 and 1 more transcripts).
Identifiers: ClinVar variation 325566 (VCV000325566.21), dbSNP rs192537441, ClinGen allele CA8793853.
Genomic context (GRCh38, chr17:77,497,305, plus strand): 5'-GGGAGAGAGGTGGGGTCCGGGCAGAGTTTCTCCACTGGGACATTAAAGCCCCTCCTGTCT[C>T]CTCTCCTAGTTGAAAACACCACACACTGTGAGTTTGCCTACCTGCGGGACCTTCTCATCA-3'

ClinVar aggregate classification (germline): Benign/Likely benign. Review status: criteria provided, multiple submitters, no conflicts (2 of 4 stars). 10 submissions from 10 submitters: Benign (6); Likely benign (1). 3 of the submissions do not count toward it. Last evaluated 2026-02-01.

Conditions:
Amyotrophic neuralgia (HNA). Also called: AMYOTROPHY, HEREDITARY NEURALGIC, WITH PREDILECTION FOR BRACHIAL PLEXUS; AMYOTROPHY, HEREDITARY NEURALGIC; Hereditary Brachial Plexus Neuropathy; Neuritis with Brachial Predilection. Identifiers: Orphanet 2901, MedGen C1834304, MONDO:0008076, OMIM 162100.
SEPTIN9-related disorder. Also called: SEPTIN9-related condition.

Allele frequency attached by ClinVar (database versions not stated): 1000 Genomes Project 0.00060; 1000 Genomes Project 30x 0.00078; gnomAD exomes 0.00369 and 0.00483; TOPMed 0.00386; ExAC 0.00396; gnomAD 0.00407 and 0.00421; ESP Exome Variant Server 0.00593.
gnomAD v4.1: 7,607 of 1,613,214 alleles (0.47%); highest among the groups gnomAD compares: Non-Finnish European, 0.57%; 39 homozygotes.

Submissions (10):

Labcorp Genetics (formerly Invitae), Labcorp
Classification: Benign. Last evaluated: 2026-02-01. Review status: criteria provided, single submitter. Criteria: Invitae Variant Classification Sherloc (09022015). Collection method: clinical testing. Allele origin: germline.

PreventionGenetics, part of Exact Sciences
Classification: Likely benign for SEPTIN9-related condition. Last evaluated: 2025-02-12. Review status: criteria provided, single submitter. Criteria: ACMG Guidelines, 2015. Collection method: clinical testing. Allele origin: germline.
Comment: This variant is classified as likely benign based on ACMG/AMP sequence variant interpretation guidelines (Richards et al. 2015 PMID: 25741868, with internal and published modifications).

Mayo Clinic Laboratories, Mayo Clinic
Classification: Benign. Last evaluated: 2022-03-31. Review status: criteria provided, single submitter. Criteria: ACMG Guidelines, 2015. Collection method: clinical testing. Allele origin: germline. Observed: 4 variant alleles.
Comment: BS1, BS2, BP4

Genome-Nilou Lab
Classification: Benign for Amyotrophic neuralgia. Last evaluated: 2021-12-05. Review status: criteria provided, single submitter. Criteria: ACMG Guidelines, 2015. Collection method: clinical testing. Allele origin: germline. Affected: no.

Athena Diagnostics
Classification: Benign. Last evaluated: 2020-04-09. Review status: criteria provided, single submitter. Criteria: Athena Diagnostics Criteria. Collection method: clinical testing. Allele origin: unknown.

GeneDx
Classification: Benign. Last evaluated: 2019-02-21. Review status: criteria provided, single submitter. Criteria: GeneDx Variant Classification Process June 2021. Collection method: clinical testing. Allele origin: germline. Affected: yes.

Illumina Laboratory Services, Illumina
Classification: Benign for Amyotrophy, hereditary neuralgic. Last evaluated: 2018-01-13. Review status: criteria provided, single submitter. Criteria: ICSL Variant Classification Criteria 13 December 2019. Collection method: clinical testing. Allele origin: germline.
Comment: This variant was observed in the ICSL laboratory as part of a predisposition screen in an ostensibly healthy population. It had not been previously curated by ICSL or reported in the Human Gene Mutation Database (HGMD: prior to June 1st, 2018), and was therefore a candidate for classification through an automated scoring system. Utilizing variant allele frequency, disease prevalence and penetrance estimates, and inheritance mode, an automated score was calculated to assess if this variant is too frequent to cause the disease. Based on the score and internal cut-off values, a variant classified as benign is not then subjected to further curation. The score for this variant resulted in a classification of benign for this disease.

Clinical Genetics DNA and cytogenetics Diagnostics Lab, Erasmus MC, Erasmus Medical Center
Classification: Likely benign. Review status: no assertion criteria provided. Collection method: clinical testing. Allele origin: germline. Affected: yes. Study: VKGL Data-share Consensus. Not counted in ClinVar's aggregate classification.

Clinical Genetics, Academic Medical Center
Classification: Benign. Review status: no assertion criteria provided. Collection method: clinical testing. Allele origin: germline. Affected: yes. Study: VKGL Data-share Consensus. Not counted in ClinVar's aggregate classification.

Genome Diagnostics Laboratory, University Medical Center Utrecht
Classification: Likely benign. Review status: no assertion criteria provided. Collection method: clinical testing. Allele origin: germline. Affected: yes. Study: VKGL Data-share Consensus. Not counted in ClinVar's aggregate classification.